The following is an entry in ClinVar:

ClinVar aggregate classification (germline): Uncertain significance. Review status: criteria provided, single submitter (1 of 4 stars). 2 submissions from 2 submitters: Uncertain significance (1). 1 of the submissions does not count toward it. Last evaluated 2024-10-30.

Conditions:
DEPDC5-related disorder. Also called: DEPDC5-related related disorder; DEPDC5-related condition.
Familial focal epilepsy with variable foci (FPEVF). Identifiers: Orphanet 98820, MedGen C1858477, MONDO:0020310.

Allele frequency attached by ClinVar (database versions not stated): gnomAD exomes 0.00001; ExAC 0.00002; TOPMed 0.00002; ESP Exome Variant Server 0.00008.
gnomAD v4.1: 12 of 1,614,088 alleles (0.00074%); highest among the groups gnomAD compares: Non-Finnish European, 0.001%; no homozygotes.

Submissions (2):

Labcorp Genetics (formerly Invitae), Labcorp
Classification: Uncertain significance for Familial focal epilepsy with variable foci. Last evaluated: 2024-10-30. Review status: criteria provided, single submitter. Criteria: Invitae Variant Classification Sherloc (09022015). Collection method: clinical testing. Allele origin: germline.
Comment: This sequence change replaces serine, which is neutral and polar, with glycine, which is neutral and non-polar, at codon 646 of the DEPDC5 protein (p.Ser646Gly). This variant is present in population databases (rs377294383, gnomAD 0.002%). This variant has not been reported in the literature in individuals affected with DEPDC5-related conditions. ClinVar contains an entry for this variant (Variation ID: 1009140). Experimental studies and prediction algorithms are not available or were not evaluated, and the functional significance of this variant is currently unknown. In summary, the available evidence is currently insufficient to determine the role of this variant in disease. Therefore, it has been classified as a Variant of Uncertain Significance.

PreventionGenetics, part of Exact Sciences
Classification: Uncertain significance for DEPDC5-related condition. Last evaluated: 2023-10-20. Review status: no assertion criteria provided. Collection method: clinical testing. Allele origin: germline. Not counted in ClinVar's aggregate classification.
Comment: The DEPDC5 c.1936A>G variant is predicted to result in the amino acid substitution p.Ser646Gly. To our knowledge, this variant has not been reported in the literature. This variant is reported in 0.0018% of alleles in individuals of European (Non-Finnish) descent in gnomAD. At this time, the clinical significance of this variant is uncertain due to the absence of conclusive functional and genetic evidence.

NM_001242896.3(DEPDC5):c.1936A>G (p.Ser646Gly)

Gene: DEPDC5 (DEP domain containing 5, GATOR1 subcomplex subunit; plus strand). Cytogenetic location: 22q12.3.
Variant type: single nucleotide variant.
Coding change: c.1936A>G on transcript NM_001242896.3 (MANE Select); coding-DNA position 1936, A replaced by G.
Protein change: p.Ser646Gly; replaces serine 646 with glycine.
Molecular consequence: missense variant. On other transcripts: non-coding transcript variant (4), intron variant (3).
Genome position (GRCh38, 1-based): chr22:31,821,567, A>G. VCF-style: chr22-31821567-A-G. GRCh37 (hg19) VCF-style: chr22-32217553-A-G.
Other names: c.1936A>G (NM_001242896.1); c.1936A>G, p.Ser646Gly (NM_001136029.4, NM_001363852.2, NM_001364318.2 and 3 more transcripts); c.1852A>G, p.Ser618Gly (NM_001369901.1, NM_001369902.1); c.1870+2342A>G (NM_001363854.2, NM_001242897.2, NM_001364319.2); short protein forms S618G, S646G.
Identifiers: ClinVar variation 1009140 (VCV001009140.10), dbSNP rs377294383, ClinGen allele CA10196507.
Genomic context (GRCh38, chr22:31,821,567, plus strand): 5'-TCCGGAGAAGCCATCCAGATCCACCACCAGACCCGACAGAATATGGCGGAGCTACAAGGC[A>G]GCGGGCAGAGGGATCCAACTCACTCCTCTGCAGAGCTGCTGGAGTTAGCATATCATGAAG-3'
Protein context (NP_001229825.1, residues 636-656): TRQNMAELQG[Ser646Gly]GQRDPTHSSA